The following is an entry in ClinVar:

ClinVar aggregate classification (germline): Uncertain significance (1 of 4 stars; one submission).

Submission:

GeneDx
Classification: Uncertain significance. Last evaluated: 2021-06-26. Review status: criteria provided, single submitter. Criteria: GeneDx Variant Classification Process June 2021. Collection method: clinical testing. Allele origin: germline. Affected: yes.
Comment: Not observed at significant frequency in large population cohorts (Lek et al., 2016); In silico analysis supports that this missense variant has a deleterious effect on protein structure/function; Has not been previously published as pathogenic or benign to our knowledge; This variant is associated with the following publications: (PMID: 27535533)

NM_001162501.2(TNRC6B):c.3153A>T (p.Lys1051Asn)

Gene: TNRC6B (trinucleotide repeat containing adaptor 6B; plus strand). Cytogenetic location: 22q13.1.
Variant type: single nucleotide variant.
Coding change: c.3153A>T on transcript NM_001162501.2 (MANE Select); coding-DNA position 3153, A replaced by T.
Protein change: p.Lys1051Asn; replaces lysine 1051 with asparagine.
Molecular consequence: missense variant.
Genome position (GRCh38, 1-based): chr22:40,277,088, A>T. VCF-style: chr22-40277088-A-T. GRCh37 (hg19) VCF-style: chr22-40673092-A-T.
Other names: c.912A>T, p.Lys304Asn (NM_001024843.2); c.2994A>T, p.Lys998Asn (NM_015088.3); short protein forms K1051N, K304N, K998N.
Identifiers: ClinVar variation 1329609 (VCV001329609.2), dbSNP rs2146517432, ClinGen allele CA411648031.
Genomic context (GRCh38, chr22:40,277,088, plus strand): 5'-GGCTGAAATAAATTATTTGGTTCTGAGGTTCCGTGTTTCATTTCTGTAGTGCTCACTCAA[A>T]GGAGGAAACAATGATTCATGGATGAATCCTCTTGCCAAACAGTTTTCAAATATGGGATTG-3'
Protein context (NP_001155973.1, residues 1041-1061): GGKKQMKCSL[Lys1051Asn]GGNNDSWMNP